The following is an entry in ClinVar:

NM_015311.3(OBSL1):c.5404G>T (p.Glu1802Ter)

Gene: OBSL1 (obscurin like cytoskeletal adaptor 1; minus strand). Cytogenetic location: 2q35.
Variant type: single nucleotide variant.
Coding change: c.5404G>T on transcript NM_015311.3 (MANE Select); coding-DNA position 5404, G replaced by T.
Protein change: p.Glu1802Ter; replaces glutamic acid 1802 with a stop codon.
Molecular consequence: nonsense.
Genome position (GRCh38, 1-based): chr2:219,552,121, C>A on the plus strand (G>T on the coding strand, the complement: OBSL1 is on the minus strand). VCF-style: chr2-219552121-C-A. GRCh37 (hg19) VCF-style: chr2-220416843-C-A.
Other names: short protein forms E1802*.
Identifiers: ClinVar variation 4845876 (VCV004845876.1).

ClinVar aggregate classification (germline): Likely pathogenic (1 of 4 stars; one submission).

Conditions:
3M syndrome 2. Also called: 3-M Syndrome, OBSL1-Related; THREE M SYNDROME 2. Identifiers: Orphanet 2616, MedGen C2752041, MONDO:0013039, OMIM 612921.

Submission:

First Genomix Gene Laboratory, Genetic Diagnostics Department
Classification: Likely pathogenic for 3M syndrome 2. Last evaluated: 2025-03-18. Review status: criteria provided, single submitter. Criteria: ACMG Guidelines, 2015. Collection method: clinical testing. Allele origin: germline. Inheritance: Autosomal recessive inheritance. Affected: no. Observed: 1 variant allele.